The following is an entry in ClinVar:

NM_005546.4(ITK):c.1805G>A (p.Arg602Gln)

Gene: ITK (IL2 inducible T cell kinase; plus strand). Cytogenetic location: 5q33.3.
Variant type: single nucleotide variant.
Coding change: c.1805G>A on transcript NM_005546.4 (MANE Select); coding-DNA position 1805, G replaced by A.
Protein change: p.Arg602Gln; replaces arginine 602 with glutamine.
Molecular consequence: missense variant.
Genome position (GRCh38, 1-based): chr5:157,252,620, G>A. VCF-style: chr5-157252620-G-A. GRCh37 (hg19) VCF-style: chr5-156679630-G-A.
Other names: short protein forms R602Q.
Identifiers: ClinVar variation 1003141 (VCV001003141.9), dbSNP rs748509752, ClinGen allele CA3533220.
Genomic context (GRCh38, chr5:157,252,620, plus strand): 5'-GACGCATAAGTACAAGGAACTTACAGAGTTCTTTTTTCCCTCTCCAGAGACCAGAAGATC[G>A]GCCAGCCTTCTCCAGACTGCTGCGTCAACTGGCTGAAATTGCAGAATCAGGACTTTAGTA-3'
Protein context (NP_005537.3, residues 592-612): NHCWKERPED[Arg602Gln]PAFSRLLRQL

ClinVar aggregate classification (germline): Uncertain significance (1 of 4 stars; one submission).

Conditions:
Lymphoproliferative syndrome 1 (LPFS1). Identifiers: Orphanet 238505, Orphanet 538963, MedGen C3552634, MONDO:0013081, OMIM 613011.

Allele frequency attached by ClinVar (database versions not stated): ExAC 0.00001.
gnomAD v4.1: 5 of 1,613,940 alleles (0.00031%); highest among the groups gnomAD compares: Admixed American, 0.0017%; no homozygotes.

Submission:

Labcorp Genetics (formerly Invitae), Labcorp
Classification: Uncertain significance for Lymphoproliferative syndrome 1. Last evaluated: 2025-03-17. Review status: criteria provided, single submitter. Criteria: Invitae Variant Classification Sherloc (09022015). Collection method: clinical testing. Allele origin: germline.
Comment: This sequence change replaces arginine, which is basic and polar, with glutamine, which is neutral and polar, at codon 602 of the ITK protein (p.Arg602Gln). This variant is present in population databases (rs748509752, gnomAD 0.002%). This variant has not been reported in the literature in individuals affected with ITK-related conditions. ClinVar contains an entry for this variant (Variation ID: 1003141). Invitae Evidence Modeling of protein sequence and biophysical properties (such as structural, functional, and spatial information, amino acid conservation, physicochemical variation, residue mobility, and thermodynamic stability) indicates that this missense variant is expected to disrupt ITK protein function with a positive predictive value of 80%. In summary, the available evidence is currently insufficient to determine the role of this variant in disease. Therefore, it has been classified as a Variant of Uncertain Significance.